The following is an entry in ClinVar:

ClinVar aggregate classification (germline): Likely benign. Review status: criteria provided, multiple submitters, no conflicts (2 of 4 stars). 2 submissions from 2 submitters: Likely benign (2). Last evaluated 2026-01-12.

Conditions:
SLC52A1-related disorder. Also called: SLC52A1-related condition.
Vitamin B2 deficiency. Identifiers: MedGen C0035528.

Allele frequency attached by ClinVar (database versions not stated): gnomAD exomes 0.00018 and 0.00040; ExAC 0.00047; 1000 Genomes Project 0.00080; 1000 Genomes Project 30x 0.00094; gnomAD 0.00121 and 0.00131; ESP Exome Variant Server 0.00138; TOPMed 0.00148.
gnomAD v4.1: 452 of 1,589,290 alleles (0.028%); highest among the groups gnomAD compares: African/African-American, 0.37%; 3 homozygotes.

Submissions (2):

Labcorp Genetics (formerly Invitae), Labcorp
Classification: Likely benign for Vitamin B2 deficiency. Last evaluated: 2026-01-12. Review status: criteria provided, single submitter. Criteria: Invitae Variant Classification Sherloc (09022015). Collection method: clinical testing. Allele origin: germline.

PreventionGenetics, part of Exact Sciences
Classification: Likely benign for SLC52A1-related condition. Last evaluated: 2025-11-12. Review status: criteria provided, single submitter. Criteria: ACMG Guidelines, 2015. Collection method: clinical testing. Allele origin: germline.
Comment: This variant is classified as likely benign based on ACMG/AMP sequence variant interpretation guidelines (Richards et al. 2015 PMID: 25741868, with internal and published modifications).

NM_017986.4(SLC52A1):c.167C>T (p.Ala56Val)

Gene: SLC52A1 (solute carrier family 52 member 1; minus strand). Cytogenetic location: 17p13.2.
Variant type: single nucleotide variant.
Coding change: c.167C>T on transcript NM_017986.4 (MANE Select); coding-DNA position 167, C replaced by T.
Protein change: p.Ala56Val; replaces alanine 56 with valine.
Molecular consequence: missense variant.
Genome position (GRCh38, 1-based): chr17:5,034,322, G>A on the plus strand (C>T on the coding strand, the complement: SLC52A1 is on the minus strand). VCF-style: chr17-5034322-G-A. GRCh37 (hg19) VCF-style: chr17-4937617-G-A.
Other names: c.167C>T (NM_001104577.1); c.167C>T, p.Ala56Val (NM_001104577.2); short protein forms A56V.
Identifiers: ClinVar variation 791751 (VCV000791751.13), dbSNP rs138410039, ClinGen allele CA8319855.